The following is an entry in ClinVar:

NM_005055.5(RAPSN):c.950del (p.Glu317fs)

Gene: RAPSN (receptor associated protein of the synapse; minus strand). Cytogenetic location: 11p11.2.
Variant type: Deletion.
Coding change: c.950del on transcript NM_005055.5 (MANE Select); coding-DNA position 950, one base deleted (A; older notation c.950delA).
Protein change: p.Glu317fs; shifts the reading frame from glutamic acid 317.
Molecular consequence: frameshift variant. On other transcripts: intron variant (6).
Genome position (GRCh38, 1-based): chr11:47,441,175, T deleted on the plus strand (A on the coding strand, the reverse complement: RAPSN is on the minus strand). VCF-style (leftmost placement, unchanged base first): chr11-47441174-CT-C. GRCh37 (hg19) VCF-style: chr11-47462725-CT-C.
Other names: c.950del, p.Glu317fs (NM_001440490.1, NM_001440492.1, NM_001440494.1); c.1035del, p.Gly346fs (NM_001440491.1); c.753del, p.Gly252fs (NM_001440493.1); c.827del, p.Glu276fs (NM_001440497.1, NM_001440498.1); c.791del, p.Glu264fs (NM_001440499.1); c.668del, p.Glu223fs (NM_001440503.1); c.611del, p.Glu204fs (NM_001440504.1); c.753+436del (NM_001440502.1); and 2 more; short protein forms E204fs, E223fs, E264fs, E276fs, E317fs, G252fs, G346fs.
Identifiers: ClinVar variation 4815411 (VCV004815411.1).

ClinVar aggregate classification (germline): Likely pathogenic (1 of 4 stars; one submission).

Conditions:
Congenital myasthenic syndrome (CMS). Also called: Congenital Myasthenic Syndromes. Identifiers: Orphanet 590, MedGen C0751882, MeSH D020294, MONDO:0018940.

Submission:

Natera, Inc.
Classification: Likely pathogenic for Congenital myasthenic syndrome. Last evaluated: 2024-12-03. Review status: criteria provided, single submitter. Criteria: Natera Variant Classification Schema (03/2026). Collection method: clinical testing. Allele origin: germline.
Comment: The c.950del variant in RAPSN is a frameshift variant predicted to shift the reading frame beginning at codon 317 and leads to a stop codon 7 codons downstream. This variant is expected to result in nonsense mediated decay, truncation, or a dysfunctional protein product. This variant is rare in the general population with a frequency below the threshold expected for the associated phenotype(s). Given the available evidence, this variant is classified as Likely Pathogenic.